The following is an entry in ClinVar:

ClinVar aggregate classification (germline): Likely benign (0 of 4 stars; one submission).

Conditions:
HOXA2-related disorder. Also called: HOXA2-related condition.

Allele frequency attached by ClinVar (database versions not stated): 1000 Genomes Project 0.00100; ESP Exome Variant Server 0.00100; 1000 Genomes Project 30x 0.00125.
gnomAD v4.1: 209 of 1,614,258 alleles (0.013%); highest among the groups gnomAD compares: African/African-American, 0.25%; 1 homozygote.

Submission:

PreventionGenetics, part of Exact Sciences
Classification: Likely benign for HOXA2-related condition. Last evaluated: 2024-01-31. Review status: no assertion criteria provided. Collection method: clinical testing. Allele origin: germline.
Comment: This variant is classified as likely benign based on ACMG/AMP sequence variant interpretation guidelines (Richards et al. 2015 PMID: 25741868, with internal and published modifications).

NM_006735.4(HOXA2):c.1006C>A (p.Leu336Ile)

Gene: HOXA2 (homeobox A2; minus strand). Cytogenetic location: 7p15.2.
Variant type: single nucleotide variant.
Coding change: c.1006C>A on transcript NM_006735.4 (MANE Select); coding-DNA position 1006, C replaced by A.
Protein change: p.Leu336Ile; replaces leucine 336 with isoleucine.
Molecular consequence: missense variant.
Genome position (GRCh38, 1-based): chr7:27,100,851, G>T on the plus strand (C>A on the coding strand, the complement: HOXA2 is on the minus strand). VCF-style: chr7-27100851-G-T. GRCh37 (hg19) VCF-style: chr7-27140470-G-T.
Other names: short protein forms L336I.
Identifiers: ClinVar variation 3052799 (VCV003052799.2), dbSNP rs149108490, ClinGen allele CA4196089.